The following is an entry in ClinVar:

ClinVar aggregate classification (germline): Uncertain significance. Review status: criteria provided, multiple submitters, no conflicts (2 of 4 stars). 2 submissions from 2 submitters: Uncertain significance (2). Last evaluated 2022-08-18.

Conditions:
Intellectual disability. Also called: Intellectual functioning disability; Intellectual developmental disorder; intellectual disabilities. Identifiers: MedGen C3714756, MeSH D008607, MONDO:0001071, HP:0001249.
CHD8-related disorder. Also called: CHD8-related condition; CHD8-related disorders.

Allele frequency attached by ClinVar (database versions not stated): TOPMed below 0.00001; gnomAD 0.00001; gnomAD exomes 0.00001.

Submissions (2):

PreventionGenetics, part of Exact Sciences
Classification: Uncertain significance for CHD8-related condition. Last evaluated: 2022-08-18. Review status: criteria provided, single submitter. Criteria: ACMG Guidelines, 2015. Collection method: clinical testing. Allele origin: germline.
Comment: The CHD8 c.3185G>A variant is predicted to result in the amino acid substitution p.Arg1062Gln. To our knowledge, this variant has not been reported in the literature or in a large population database, indicating this variant is rare. At this time, the clinical significance of this variant is uncertain due to the absence of conclusive functional and genetic evidence.

Cambridge Genomics Laboratory, East Genomic Laboratory Hub, NHS Genomic Medicine Service
Classification: Uncertain significance for Intellectual disability. Last evaluated: 2019-10-18. Review status: criteria provided, single submitter. Criteria: ACGS Best Practice Guidelines for Variant Classification in Rare Disease 2020. Collection method: clinical testing. Allele origin: germline. Affected: yes. Observed: 1 variant allele.

NM_001170629.2(CHD8):c.3185G>A (p.Arg1062Gln)

Gene: CHD8 (chromodomain helicase DNA binding protein 8; minus strand). Cytogenetic location: 14q11.2.
Variant type: single nucleotide variant.
Coding change: c.3185G>A on transcript NM_001170629.2 (MANE Select); coding-DNA position 3185, G replaced by A.
Protein change: p.Arg1062Gln; replaces arginine 1062 with glutamine.
Molecular consequence: missense variant.
Genome position (GRCh38, 1-based): chr14:21,405,331, C>T on the plus strand (G>A on the coding strand, the complement: CHD8 is on the minus strand). VCF-style: chr14-21405331-C-T. GRCh37 (hg19) VCF-style: chr14-21873490-C-T.
Other names: c.2348G>A, p.Arg783Gln (NM_020920.4); short protein forms R1062Q, R783Q.
Identifiers: ClinVar variation 2628655 (VCV002628655.2), dbSNP rs941805856, ClinGen allele CA257604148.
Genomic context (GRCh38, chr14:21,405,331, plus strand): 5'-GGCATGTTGGTATGACCTGCCCCTTTGGAAAGGAAGGAGAAATTCTTCTCCAAAATAGCC[C>T]GATAGTATTTCTTCTGGATATTAGTCAGCTCTACTTCAATAATTGTTTCCTGTTTGGGTG-3'
Protein context (NP_001164100.1, residues 1052-1072): ELTNIQKKYY[Arg1062Gln]AILEKNFSFL